The following is an entry in ClinVar:

NM_000053.4(ATP7B):c.1286-10T>A

Gene: ATP7B (ATPase copper transporting beta; minus strand). Cytogenetic location: 13q14.3.
Variant type: single nucleotide variant.
Coding change: c.1286-10T>A on transcript NM_000053.4 (MANE Select); 10 bases into the intron before coding-DNA position 1286, T replaced by A.
Molecular consequence: intron variant.
Genome position (GRCh38, 1-based): chr13:51,970,759, A>T on the plus strand (T>A on the coding strand, the complement: ATP7B is on the minus strand). VCF-style: chr13-51970759-A-T. GRCh37 (hg19) VCF-style: chr13-52544895-A-T.
Other names: c.1286-10T>A (NM_001005918.3, NM_001406546.1, NM_001406542.1 and 28 more transcripts); c.1190-10T>A (NM_001406518.1, NM_001406544.1, NM_001406536.1 and 3 more transcripts); c.857-10T>A (NM_001406539.1); c.953-10T>A (NM_001243182.2); c.1285+3176T>A (NM_001406548.1).
Identifiers: ClinVar variation 3385681 (VCV003385681.1).

ClinVar aggregate classification (germline): Likely benign (1 of 4 stars; one submission).

Conditions:
Wilson disease (WND). Also called: Wilson's disease. Identifiers: Orphanet 905, MedGen C0019202, MONDO:0010200, OMIM 277900. Disease mechanism: loss of function.

Submission:

All of Us Research Program, National Institutes of Health
Classification: Likely benign for Wilson disease. Last evaluated: 2024-05-14. Review status: criteria provided, single submitter. Criteria: ACMG Guidelines, 2015. Collection method: clinical testing. Allele origin: germline. Inheritance: Autosomal recessive inheritance. Observed: 1 variant allele, 1 heterozygote.
Comment: This study involves interpretation of variants in research participants for the purpose of population health screening. Participant phenotype was not available at the time of variant classification. Additional details can be found in publication PMID: 35346344, PMCID: PMC8962531